The following is an entry in ClinVar:

NM_000391.4(TPP1):c.420C>A (p.His140Gln)

Gene: TPP1 (tripeptidyl peptidase 1; minus strand). Cytogenetic location: 11p15.4.
Variant type: single nucleotide variant.
Coding change: c.420C>A on transcript NM_000391.4 (MANE Select); coding-DNA position 420, C replaced by A.
Protein change: p.His140Gln; replaces histidine 140 with glutamine.
Molecular consequence: missense variant.
Genome position (GRCh38, 1-based): chr11:6,617,389, G>T on the plus strand (C>A on the coding strand, the complement: TPP1 is on the minus strand). VCF-style: chr11-6617389-G-T. GRCh37 (hg19) VCF-style: chr11-6638620-G-T.
Other names: short protein forms H140Q.
Identifiers: ClinVar variation 1038577 (VCV001038577.8), dbSNP rs1057521538, ClinGen allele CA379475959.
Genomic context (GRCh38, chr11:6,617,389, plus strand): 5'-TGGAAGCTGGTAGGGATGTGGGGACCTTACAACATGGGTTTCCGTAGGTCCTCCCACATA[G>T]TGATGAAACTCAGCCCCAGGGAGCAGCAGCTCTGCTTGTCTGGAGGTCAGAGAACAGAGG-3'
Protein context (NP_000382.3, residues 130-150): ELLLPGAEFH[His140Gln]YVGGPTETHV

ClinVar aggregate classification (germline): Uncertain significance (1 of 4 stars; one submission).

Submission:

Labcorp Genetics (formerly Invitae), Labcorp
Classification: Uncertain significance. Last evaluated: 2022-08-15. Review status: criteria provided, single submitter. Criteria: Invitae Variant Classification Sherloc (09022015). Collection method: clinical testing. Allele origin: germline.
Comment: In summary, the available evidence is currently insufficient to determine the role of this variant in disease. Therefore, it has been classified as a Variant of Uncertain Significance. This sequence change replaces histidine, which is basic and polar, with glutamine, which is neutral and polar, at codon 140 of the TPP1 protein (p.His140Gln). This variant is not present in population databases (gnomAD no frequency). This variant has not been reported in the literature in individuals affected with TPP1-related conditions. ClinVar contains an entry for this variant (Variation ID: 1038577). Advanced modeling of protein sequence and biophysical properties (such as structural, functional, and spatial information, amino acid conservation, physicochemical variation, residue mobility, and thermodynamic stability) performed at Invitae indicates that this missense variant is not expected to disrupt TPP1 protein function.